The following is an entry in ClinVar:

ClinVar aggregate classification (germline): Uncertain significance (1 of 4 stars; one submission).

Allele frequency attached by ClinVar (database versions not stated): 1000 Genomes Project 0.00020; gnomAD 0.00001; ExAC 0.00001; TOPMed 0.00001; 1000 Genomes Project 30x 0.00031.

Submission:

Labcorp Genetics (formerly Invitae), Labcorp
Classification: Uncertain significance. Last evaluated: 2025-02-24. Review status: criteria provided, single submitter. Criteria: Invitae Variant Classification Sherloc (09022015). Collection method: clinical testing. Allele origin: germline.
Comment: This sequence change replaces leucine, which is neutral and non-polar, with phenylalanine, which is neutral and non-polar, at codon 441 of the CLCN6 protein (p.Leu441Phe). This variant is present in population databases (rs540491119, gnomAD 0.007%). This variant has not been reported in the literature in individuals affected with CLCN6-related conditions. ClinVar contains an entry for this variant (Variation ID: 2704713). An algorithm developed to predict the effect of missense changes on protein structure and function (PolyPhen-2) suggests that this variant is likely to be disruptive. In summary, the available evidence is currently insufficient to determine the role of this variant in disease. Therefore, it has been classified as a Variant of Uncertain Significance.

NM_001286.5(CLCN6):c.1321C>T (p.Leu441Phe)

Gene: CLCN6 (Cl-/H+ antiporter 6; plus strand). Cytogenetic location: 1p36.22.
Variant type: single nucleotide variant.
Coding change: c.1321C>T on transcript NM_001286.5 (MANE Select); coding-DNA position 1321, C replaced by T.
Protein change: p.Leu441Phe; replaces leucine 441 with phenylalanine.
Molecular consequence: missense variant. On other transcripts: non-coding transcript variant (1).
Genome position (GRCh38, 1-based): chr1:11,833,587, C>T. VCF-style: chr1-11833587-C-T. GRCh37 (hg19) VCF-style: chr1-11893644-C-T.
Other names: c.1255C>T, p.Leu419Phe (NM_001256959.2); short protein forms L441F, L419F.
Identifiers: ClinVar variation 2704713 (VCV002704713.3), dbSNP rs540491119, ClinGen allele CA596428.